The following is an entry in ClinVar:

NM_001276270.2(MBD4):c.1184-11T>A

Gene: MBD4 (methyl-CpG binding domain 4, DNA glycosylase; minus strand). Cytogenetic location: 3q21.3.
Variant type: single nucleotide variant.
Coding change: c.1184-11T>A on transcript NM_001276270.2 (MANE Select); 11 bases into the intron before coding-DNA position 1184, T replaced by A.
Molecular consequence: intron variant.
Genome position (GRCh38, 1-based): chr3:129,434,147, A>T on the plus strand (T>A on the coding strand, the complement: MBD4 is on the minus strand). VCF-style: chr3-129434147-A-T. GRCh37 (hg19) VCF-style: chr3-129152990-A-T.
Other names: c.248-11T>A (NM_001276273.2); c.1202-11T>A (NM_001276272.2, NM_003925.3, NM_001276271.2).
Identifiers: ClinVar variation 2805257 (VCV002805257.3), dbSNP rs776199077, ClinGen allele CA2605384.
Genomic context (GRCh38, chr3:129,434,147, plus strand): 5'-ATACAGGCTTGTTTTCCTTCTTTCTATCTGTGTTCGTGGGATGGTATCTTCTGAAAAGGA[A>T]AAGTAAACACTTTATGGAGTCTATGGTTTAGCTTAAAGCAATATTGAGGGATGCAAATAA-3'

ClinVar aggregate classification (germline): Uncertain significance (1 of 4 stars; one submission).

Allele frequency attached by ClinVar (database versions not stated): TOPMed below 0.00001.
gnomAD v4.1: 10 of 1,605,128 alleles (0.00062%); highest among the groups gnomAD compares: East Asian, 0.016%; no homozygotes.

Submission:

Labcorp Genetics (formerly Invitae), Labcorp
Classification: Uncertain significance. Last evaluated: 2025-10-01. Review status: criteria provided, single submitter. Criteria: Invitae Variant Classification Sherloc (09022015). Collection method: clinical testing. Allele origin: germline.
Comment: This sequence change falls in intron 3 of the MBD4 gene. It does not directly change the encoded amino acid sequence of the MBD4 protein. This variant is present in population databases (rs776199077, gnomAD 0.02%). This variant has not been reported in the literature in individuals affected with MBD4-related conditions. ClinVar contains an entry for this variant (Variation ID: 2805257). Algorithms developed to predict the effect of sequence changes on RNA splicing suggest that this variant may disrupt the consensus splice site. In summary, the available evidence is currently insufficient to determine the role of this variant in disease. Therefore, it has been classified as a Variant of Uncertain Significance.